The following is an entry in ClinVar:

NM_017951.5(SMPD4):c.1652G>A (p.Arg551His)

Gene: SMPD4 (sphingomyelin phosphodiesterase 4; minus strand). Cytogenetic location: 2q21.1.
Variant type: single nucleotide variant.
Coding change: c.1652G>A on transcript NM_017951.5 (MANE Select); coding-DNA position 1652, G replaced by A.
Protein change: p.Arg551His; replaces arginine 551 with histidine.
Molecular consequence: missense variant. On other transcripts: non-coding transcript variant (2).
Genome position (GRCh38, 1-based): chr2:130,154,284, C>T on the plus strand (G>A on the coding strand, the complement: SMPD4 is on the minus strand). VCF-style: chr2-130154284-C-T. GRCh37 (hg19) VCF-style: chr2-130911857-C-T.
Other names: c.1463G>A, p.Arg488His (NM_001171083.2); c.1682G>A, p.Arg561His (NM_017751.4); short protein forms R488H, R551H, R561H.
Identifiers: ClinVar variation 3252954 (VCV003252954.1), dbSNP rs568436100.

ClinVar aggregate classification (germline): Uncertain significance (1 of 4 stars; one submission).

Allele frequency attached by ClinVar (database versions not stated): gnomAD 0.00001; TOPMed 0.00001; ExAC 0.00005; 1000 Genomes Project 0.00040; 1000 Genomes Project 30x 0.00047.
gnomAD v4.1: 30 of 1,599,640 alleles (0.0019%); highest among the groups gnomAD compares: East Asian, 0.016%; no homozygotes.

Submission:

GeneDx
Classification: Uncertain significance. Last evaluated: 2024-02-21. Review status: criteria provided, single submitter. Criteria: GeneDx Variant Classification Process June 2021. Collection method: clinical testing. Allele origin: germline. Affected: yes.
Comment: In silico analysis supports that this missense variant has a deleterious effect on protein structure/function; Has not been previously published as pathogenic or benign to our knowledge